The following is an entry in ClinVar:

NM_005816.5(CD96):c.1346C>T (p.Thr449Ile)

Gene: CD96 (CD96 molecule; plus strand). Cytogenetic location: 3q13.2.
Variant type: single nucleotide variant.
Coding change: c.1346C>T on transcript NM_005816.5 (MANE Select); coding-DNA position 1346, C replaced by T.
Protein change: p.Thr449Ile; replaces threonine 449 with isoleucine.
Molecular consequence: missense variant. On other transcripts: non-coding transcript variant (1).
Genome position (GRCh38, 1-based): chr3:111,637,220, C>T. VCF-style: chr3-111637220-C-T. GRCh37 (hg19) VCF-style: chr3-111356067-C-T.
Other names: c.1343C>T, p.Thr448Ile (NM_001410800.1); c.1394C>T, p.Thr465Ile (NM_198196.3); short protein forms T448I, T449I, T465I.
Identifiers: ClinVar variation 4780150 (VCV004780150.1).

ClinVar aggregate classification (germline): Uncertain significance (1 of 4 stars; one submission).

Submission:

Labcorp Genetics (formerly Invitae), Labcorp
Classification: Uncertain significance. Last evaluated: 2025-05-22. Review status: criteria provided, single submitter. Criteria: Invitae Variant Classification Sherloc (09022015). Collection method: clinical testing. Allele origin: germline.
Comment: This sequence change replaces threonine, which is neutral and polar, with isoleucine, which is neutral and non-polar, at codon 465 of the CD96 protein (p.Thr465Ile). This variant is present in population databases (rs375491879, gnomAD 0.007%). This variant has not been reported in the literature in individuals affected with CD96-related conditions. Invitae Evidence Modeling of protein sequence and biophysical properties (such as structural, functional, and spatial information, amino acid conservation, physicochemical variation, residue mobility, and thermodynamic stability) indicates that this missense variant is not expected to disrupt CD96 protein function with a negative predictive value of 80%. In summary, the available evidence is currently insufficient to determine the role of this variant in disease. Therefore, it has been classified as a Variant of Uncertain Significance.